The following is an entry in ClinVar:

ClinVar aggregate classification (germline): Uncertain significance (1 of 4 stars; one submission).

Conditions:
BAP1-related tumor predisposition syndrome (TPDS1). Also called: COMMON Syndrome; TUMOR PREDISPOSITION SYNDROME 1; Tumor susceptibility linked to germline BAP1 mutations; BAP1 tumor predisposition syndrome. Identifiers: Orphanet 289539, MedGen C3280492, MONDO:0013692, OMIM 614327.

Submission:

Labcorp Genetics (formerly Invitae), Labcorp
Classification: Uncertain significance for BAP1-related tumor predisposition syndrome. Last evaluated: 2019-03-22. Review status: criteria provided, single submitter. Criteria: Invitae Variant Classification Sherloc (09022015). Collection method: clinical testing. Allele origin: germline.
Comment: In summary, the available evidence is currently insufficient to determine the role of this variant in disease. Therefore, it has been classified as a Variant of Uncertain Significance. This variant has not been reported in the literature in individuals with BAP1-related conditions. This sequence change replaces glutamic acid with glutamine at codon 653 of the BAP1 protein (p.Glu653Gln). The glutamic acid residue is highly conserved and there is a small physicochemical difference between glutamic acid and glutamine. This variant is not present in population databases (ExAC no frequency). Algorithms developed to predict the effect of missense changes on protein structure and function (SIFT, PolyPhen-2, Align-GVGD) all suggest that this variant is likely to be disruptive, but these predictions have not been confirmed by published functional studies and their clinical significance is uncertain.

NM_004656.4(BAP1):c.1957G>C (p.Glu653Gln)

Gene: BAP1 (BRCA1 associated deubiquitinase 1; minus strand). Cytogenetic location: 3p21.1.
Variant type: single nucleotide variant.
Coding change: c.1957G>C on transcript NM_004656.4 (MANE Select); coding-DNA position 1957, G replaced by C.
Protein change: p.Glu653Gln; replaces glutamic acid 653 with glutamine.
Molecular consequence: missense variant.
Genome position (GRCh38, 1-based): chr3:52,402,805, C>G on the plus strand (G>C on the coding strand, the complement: BAP1 is on the minus strand). VCF-style: chr3-52402805-C-G. GRCh37 (hg19) VCF-style: chr3-52436821-C-G.
Other names: short protein forms E653Q.
Identifiers: ClinVar variation 837841 (VCV000837841.7), dbSNP rs1705007322, ClinGen allele CA353096584.
Genomic context (GRCh38, chr3:52,402,805, plus strand): 5'-GAGGCCAGATCAGGCAACTGGAGAAATCACCCACCTTGAACTTCTTCCTCTTCTCTACCT[C>G]CTCCTTGAGGCACGCCTCATAGTTTGCAATCTCAGCCTCCACACACTTCAGCAGTGCCAG-3'
Protein context (NP_004647.1, residues 643-663): IANYEACLKE[Glu653Gln]VEKRKKFKID